The following is an entry in ClinVar:

ClinVar aggregate classification (germline): Conflicting classifications of pathogenicity. Review status: criteria provided, conflicting classifications (1 of 4 stars). 5 submissions from 5 submitters: Uncertain significance (3); Likely benign (2). Last evaluated 2026-01-20.

Conditions:
TTN-related disorder. Also called: TTN-related condition; TTN-related disease; TTN-related disorders.

Allele frequency attached by ClinVar (database versions not stated): gnomAD exomes 0.00001 and 0.00004; ExAC 0.00004; TOPMed 0.00008; gnomAD 0.00009 and 0.00010; 1000 Genomes Project 30x 0.00031; 1000 Genomes Project 0.00040.
gnomAD v4.1: 32 of 1,612,856 alleles (0.002%); highest among the groups gnomAD compares: African/African-American, 0.032%; no homozygotes.

Submissions (5):

PreventionGenetics, part of Exact Sciences
Classification: Uncertain significance for TTN-related condition. Last evaluated: 2026-01-20. Review status: criteria provided, single submitter. Criteria: ACMG Guidelines, 2015. Collection method: clinical testing. Allele origin: germline.
Comment: The TTN c.34192G>T variant is predicted to result in the amino acid substitution p.Val11398Phe. To our knowledge, this variant has not been reported in the literature. This variant is reported in 0.037% of alleles in individuals of African descent in gnomAD. At this time, the clinical significance of this variant is uncertain due to the absence of conclusive functional and genetic evidence.

Women's Health and Genetics/Laboratory Corporation of America, LabCorp
Classification: Uncertain significance. Last evaluated: 2025-05-19. Review status: criteria provided, single submitter. Criteria: LabCorp Variant Classification Summary - May 2015. Collection method: clinical testing. Allele origin: germline.
Comment: Variant summary: TTN c.30460G>T (p.Val10154Phe) results in a non-conservative amino acid change in the encoded protein sequence. Algorithms developed to predict the effect of missense changes on protein structure and function are either unavailable or do not agree on the potential impact of this missense change. The variant allele was found at a frequency of 4e-05 in 248962 control chromosomes. This frequency is not significantly higher than estimated for a pathogenic variant in TTN causing Dilated Cardiomyopathy (4e-05 vs 0.00039), allowing no conclusion about variant significance. To our knowledge, no occurrence of c.30460G>T in individuals affected with TTN-related conditions and no experimental evidence demonstrating its impact on protein function have been reported. ClinVar contains an entry for this variant (Variation ID: 166104). Based on the evidence outlined above, the variant was classified as uncertain significance.

GeneDx
Classification: Likely benign. Last evaluated: 2021-03-09. Review status: criteria provided, single submitter. Criteria: GeneDx Variant Classification Process June 2021. Collection method: clinical testing. Allele origin: germline. Affected: yes.

Revvity Omics, Revvity
Classification: Uncertain significance. Last evaluated: 2020-08-19. Review status: criteria provided, single submitter. Criteria: ACMG Guidelines, 2015. Collection method: clinical testing. Allele origin: germline.

Laboratory for Molecular Medicine, Mass General Brigham Personalized Medicine
Classification: Likely benign. Last evaluated: 2014-06-05. Review status: criteria provided, single submitter. Criteria: LMM Criteria. Collection method: clinical testing. Allele origin: germline. Observed: 1 variant allele.
Comment: Val10154Phe in exon 143 of TTN: This variant is not expected to have clinical si gnificance due to a lack of conservation across species. Of note, several mammal ian species (gibbon, alpaca, and camel) have a phenylalanine (Phe) at this posit ion despite high nearby amino acid conservation, strongly suggesting that this c hange is tolerated.

NM_001267550.2(TTN):c.34192G>T (p.Val11398Phe)

Gene: TTN (titin; minus strand). Cytogenetic location: 2q31.2.
Variant type: single nucleotide variant.
Coding change: c.34192G>T on transcript NM_001267550.2 (MANE Select); coding-DNA position 34192, G replaced by T.
Protein change: p.Val11398Phe; replaces valine 11398 with phenylalanine.
Molecular consequence: missense variant. On other transcripts: intron variant (3).
Genome position (GRCh38, 1-based): chr2:178,677,720, C>A on the plus strand (G>T on the coding strand, the complement: TTN is on the minus strand). VCF-style: chr2-178677720-C-A. GRCh37 (hg19) VCF-style: chr2-179542447-C-A.
Other names: c.33241G>T, p.Val11081Phe (NM_001256850.1); c.13283-35403G>T (NM_003319.4); c.13859-35403G>T (NM_133437.4); c.13658-35403G>T (NM_133432.3); c.30460G>T, p.Val10154Phe (NM_133378.4); short protein forms V10154F, V11398F, V11081F.
Identifiers: ClinVar variation 166104 (VCV000166104.12), dbSNP rs551911856, ClinGen allele CA178900.